The following is an entry in ClinVar:

ClinVar aggregate classification (germline): Uncertain significance (1 of 4 stars; one submission).

Conditions:
Familial thoracic aortic aneurysm and aortic dissection (TAAD). Also called: Thoracic aortic aneurysms and dissections. Identifiers: Orphanet 91387, MedGen C4707243, MONDO:0019625.
Hereditary cancer-predisposing syndrome. Also called: Hereditary Cancer Syndrome; Hereditary neoplastic syndrome; Neoplastic Syndromes, Hereditary; Tumor predisposition. Identifiers: Orphanet 140162, MedGen C0027672, MeSH D009386, MONDO:0015356.

Submission:

Ambry Genetics
Classification: Uncertain significance for Hereditary cancer-predisposing syndrome; Familial thoracic aortic aneurysm and aortic dissection. Last evaluated: 2022-05-24. Review status: criteria provided, single submitter. Criteria: Ambry Variant Classification Scheme 2023. Collection method: clinical testing. Allele origin: germline.
Comment: The p.Q455E variant (also known as c.1363C>G), located in coding exon 10 of the SMAD4 gene, results from a C to G substitution at nucleotide position 1363. The glutamine at codon 455 is replaced by glutamic acid, an amino acid with highly similar properties. This amino acid position is conserved. In addition, this alteration is predicted to be deleterious by in silico analysis. Since supporting evidence is limited at this time, the clinical significance of this alteration remains unclear.

NM_005359.6(SMAD4):c.1363C>G (p.Gln455Glu)

Gene: SMAD4 (SMAD family member 4; plus strand). Cytogenetic location: 18q21.2.
Variant type: single nucleotide variant.
Coding change: c.1363C>G on transcript NM_005359.6 (MANE Select); coding-DNA position 1363, C replaced by G.
Protein change: p.Gln455Glu; replaces glutamine 455 with glutamic acid.
Molecular consequence: missense variant.
Genome position (GRCh38, 1-based): chr18:51,076,692, C>G. VCF-style: chr18-51076692-C-G. GRCh37 (hg19) VCF-style: chr18-48603062-C-G.
Other names: c.1363C>G, p.Gln455Glu (NM_001407041.1, NM_001407042.1); short protein forms Q455E.
Identifiers: ClinVar variation 1770885 (VCV001770885.2), dbSNP rs1599204121, ClinGen allele CA402465222.